The following is an entry in ClinVar:

ClinVar aggregate classification (germline): Uncertain significance (1 of 4 stars; one submission).

Submission:

GeneDx
Classification: Uncertain significance. Last evaluated: 2025-10-03. Review status: criteria provided, single submitter. Criteria: GeneDx Variant Classification Process June 2021. Collection method: clinical testing. Allele origin: germline. Affected: yes.
Comment: Not observed at significant frequency in large population cohorts (gnomAD); Frameshift variant predicted to result in protein truncation or nonsense mediated decay in a gene for which loss of function is not a known mechanism of disease; Has not been previously published as pathogenic or benign to our knowledge

NM_004519.4(KCNQ3):c.1715dup (p.Thr573fs)

Gene: KCNQ3 (potassium voltage-gated channel subfamily Q member 3; minus strand). Cytogenetic location: 8q24.22.
Variant type: Duplication.
Coding change: c.1715dup on transcript NM_004519.4 (MANE Select); coding-DNA position 1715, one base duplicated (T; older notation c.1715dupT).
Protein change: p.Thr573fs; shifts the reading frame from threonine 573.
Molecular consequence: frameshift variant.
Genome position (GRCh38, 1-based): chr8:132,134,374, A duplicated on the plus strand (T on the coding strand, the reverse complement: KCNQ3 is on the minus strand); the first of 4 consecutive A bases (chr8:132,134,374-132,134,377); duplicating any one gives the same sequence. VCF-style (leftmost placement, unchanged base first): chr8-132134373-G-GA. GRCh37 (hg19) VCF-style: chr8-133146620-G-GA.
Other names: c.1715dupT (NM_004519.3); c.1355dup, p.Thr453fs (NM_001204824.2); c.1715dup (NM_004519.3); c.1355dupT (NM_001204824.1); short protein forms T453fs, T573fs.
Identifiers: ClinVar variation 205998 (VCV000205998.5), dbSNP rs796052684, ClinGen allele CA315662.